The following is an entry in ClinVar:

ClinVar aggregate classification (germline): Likely benign (1 of 4 stars; one submission).

Allele frequency attached by ClinVar (database versions not stated): TOPMed 0.00001.
gnomAD v4.1: 1 of 1,614,128 alleles (0.000062%); highest among the groups gnomAD compares: Non-Finnish European, 0.000085%; no homozygotes.

Submission:

GeneDx
Classification: Likely benign. Last evaluated: 2016-06-03. Review status: criteria provided, single submitter. Criteria: GeneDx Variant Classification (06012015). Collection method: clinical testing. Allele origin: germline. Affected: yes.
Comment: This variant is considered likely benign or benign based on one or more of the following criteria: it is a conservative change, it occurs at a poorly conserved position in the protein, it is predicted to be benign by multiple in silico algorithms, and/or has population frequency not consistent with disease.

NM_021830.5(TWNK):c.1593-6G>A

Gene: TWNK (twinkle mtDNA helicase; plus strand). Cytogenetic location: 10q24.31.
Variant type: single nucleotide variant.
Coding change: c.1593-6G>A on transcript NM_021830.5 (MANE Select); 6 bases into the intron before coding-DNA position 1593, G replaced by A.
Molecular consequence: intron variant.
Genome position (GRCh38, 1-based): chr10:100,990,863, G>A. VCF-style: chr10-100990863-G-A. GRCh37 (hg19) VCF-style: chr10-102750620-G-A.
Other names: c.1593-6G>A (NM_001163812.2); c.231-6G>A (NM_001163814.2, NM_001163813.2, NM_001368275.1).
Identifiers: ClinVar variation 385801 (VCV000385801.1), dbSNP rs768295912, ClinGen allele CA5653287.